The following is an entry in ClinVar:

NM_018139.3(DNAAF2):c.830G>A (p.Ser277Asn)

Gene: DNAAF2 (dynein axonemal assembly factor 2; minus strand). Cytogenetic location: 14q21.3.
Variant type: single nucleotide variant.
Coding change: c.830G>A on transcript NM_018139.3 (MANE Select); coding-DNA position 830, G replaced by A.
Protein change: p.Ser277Asn; replaces serine 277 with asparagine.
Molecular consequence: missense variant.
Genome position (GRCh38, 1-based): chr14:49,634,320, C>T on the plus strand (G>A on the coding strand, the complement: DNAAF2 is on the minus strand). VCF-style: chr14-49634320-C-T. GRCh37 (hg19) VCF-style: chr14-50101038-C-T.
Other names: c.830G>A, p.Ser277Asn (NM_001083908.2); short protein forms S277N.
Identifiers: ClinVar variation 2182623 (VCV002182623.4), dbSNP rs758192511, ClinGen allele CA389630195.

ClinVar aggregate classification (germline): Uncertain significance (1 of 4 stars; one submission).

Conditions:
Primary ciliary dyskinesia. Also called: Ciliary dyskinesia. Identifiers: Orphanet 244, MedGen C0008780, MONDO:0016575, HP:0012265.

Submission:

Labcorp Genetics (formerly Invitae), Labcorp
Classification: Uncertain significance for Primary ciliary dyskinesia. Last evaluated: 2022-05-27. Review status: criteria provided, single submitter. Criteria: Invitae Variant Classification Sherloc (09022015). Collection method: clinical testing. Allele origin: germline.
Comment: In summary, the available evidence is currently insufficient to determine the role of this variant in disease. Therefore, it has been classified as a Variant of Uncertain Significance. Algorithms developed to predict the effect of missense changes on protein structure and function are either unavailable or do not agree on the potential impact of this missense change (SIFT: "Tolerated"; PolyPhen-2: "Possibly Damaging"; Align-GVGD: "Class C0"). This variant has not been reported in the literature in individuals affected with DNAAF2-related conditions. This variant is present in population databases (no rsID available, gnomAD 0.008%). This sequence change replaces serine, which is neutral and polar, with asparagine, which is neutral and polar, at codon 277 of the DNAAF2 protein (p.Ser277Asn).